The following is an entry in ClinVar:

NM_001353108.3(CEP63):c.789+1G>T

Gene: CEP63 (centrosomal protein 63; plus strand). Cytogenetic location: 3q22.2.
Variant type: single nucleotide variant.
Coding change: c.789+1G>T on transcript NM_001353108.3 (MANE Select); the canonical splice donor site of the intron after coding-DNA position 789, G replaced by T.
Molecular consequence: splice donor variant.
Genome position (GRCh38, 1-based): chr3:134,545,820, G>T. VCF-style: chr3-134545820-G-T. GRCh37 (hg19) VCF-style: chr3-134264662-G-T.
Other names: c.789+1G>T (NM_001353113.1, NM_001042384.2, NM_001353122.1 and 13 more transcripts); c.816+1G>T (NM_001353118.1); c.426+1G>T (NM_001353126.2); c.705+1G>T (NM_001353125.2).
Identifiers: ClinVar variation 4082406 (VCV004082406.2).

ClinVar aggregate classification (germline): Likely pathogenic (1 of 4 stars; one submission).

Submission:

Genetic Services Laboratory, University of Chicago
Classification: Likely pathogenic. Last evaluated: 2024-05-01. Review status: criteria provided, single submitter. Criteria: ACMG Guidelines, 2015. Collection method: clinical testing. Allele origin: germline. Affected: yes.
Comment: DNA sequence analysis of the CEP63 gene demonstrated a sequence change located in the canonical splice donor site in intron 8, c.789+1G>T. This sequence change does not appear to have been previously reported in individuals with CEP63-related disorders and has not been described in population databases such as gnomAD. Based on in-silico splice prediction programs, this sequence change likely affects normal splicing of the CEP63 gene, which would result in an abnormal protein, however functional studies have not been performed to prove this conclusively.